The following is an entry in ClinVar:

ClinVar aggregate classification (germline): Uncertain significance (1 of 4 stars; one submission).

Submission:

GeneDx
Classification: Uncertain significance. Last evaluated: 2016-12-21. Review status: criteria provided, single submitter. Criteria: GeneDx Variant Classification (06012015). Collection method: clinical testing. Allele origin: germline. Affected: yes.
Comment: p.Thr381Ile (ACC>ATC): c.1142 C>T in exon 11 of the ANK2 gene (NM_001148.4). Although rare, mutations in the ANK2 gene have been reported previously in association with LQTS (Mohler P et al., 2003). A variant of unknown significance has been identified in the ANK2 gene. The T381I variant has not been published as a mutation or as a benign polymorphism to our knowledge. The T381I variant was not observed in approximately 6,500 individuals of European and African American ancestry in the NHLBI Exome Sequencing Project, indicating it is not a common benign variant in these populations. In addition, the T381I variant is a non-conservative amino acid substitution, which is likely to impact secondary protein structure as these residues differ in polarity, charge, size and/or other properties. This substitution occurs at a position that is conserved across species. Furthermore, in silico analysis predicts this variant is probably damaging to the protein structure/function. However, no missense mutations in nearby residues have been reported in association with LQTS, indicating this region of the protein may be tolerant of change. Therefore, based on the currently available information, it is unclear whether this variant is a pathogenic mutation or a rare benign variant.The variant is found in LQT panel(s).

NM_001148.6(ANK2):c.1142C>T (p.Thr381Ile)

Gene: ANK2 (ankyrin 2; plus strand). Cytogenetic location: 4q26.
Variant type: single nucleotide variant.
Coding change: c.1142C>T on transcript NM_001148.6 (MANE Select); coding-DNA position 1142, C replaced by T.
Protein change: p.Thr381Ile; replaces threonine 381 with isoleucine.
Molecular consequence: missense variant.
Genome position (GRCh38, 1-based): chr4:113,255,886, C>T. VCF-style: chr4-113255886-C-T. GRCh37 (hg19) VCF-style: chr4-114177042-C-T.
Other names: p.T381I:ACC>ATC; c.1079C>T, p.Thr360Ile (NM_001127493.3, NM_001354239.2, NM_001354243.2 and 14 more transcripts); c.1142C>T, p.Thr381Ile (NM_001354225.2, NM_001354228.2, NM_001354232.2 and 9 more transcripts); c.1187C>T, p.Thr396Ile (NM_001354230.2, NM_001354231.2, NM_001354237.2 and 5 more transcripts); c.1055C>T, p.Thr352Ile (NM_001354249.2, NM_001354260.2, NM_001354264.2 and 16 more transcripts); c.1100C>T, p.Thr367Ile (NM_001354261.2, NM_001386147.1, NM_001386160.1); c.1130C>T, p.Thr377Ile (NM_001354269.3, NM_001386148.2, NM_001386186.2); c.1193C>T, p.Thr398Ile (NM_001386174.1); and 2 more; short protein forms T360I, T381I, T352I, T396I, T367I, T377I, T369I, T390I.
Identifiers: ClinVar variation 190593 (VCV000190593.2), dbSNP rs786205732, ClinGen allele CA301016.